The following is an entry in ClinVar:

ClinVar aggregate classification (germline): Uncertain significance. Review status: criteria provided, multiple submitters, no conflicts (2 of 4 stars). 2 submissions from 2 submitters: Uncertain significance (2). Last evaluated 2026-07-02.

Conditions:
Aortic aneurysm, familial thoracic 4 (AAT4). Also called: AORTIC ANEURYSM/AORTIC DISSECTION AND PATENT DUCTUS ARTERIOSUS. Identifiers: MedGen C1851504, MONDO:0007568, OMIM 132900.
Familial thoracic aortic aneurysm and aortic dissection (TAAD). Also called: Thoracic aortic aneurysms and dissections. Identifiers: Orphanet 91387, MedGen C4707243, MONDO:0019625.

Submissions (2):

Ambry Genetics
Classification: Uncertain significance for Familial thoracic aortic aneurysm and aortic dissection. Last evaluated: 2026-07-02. Review status: criteria provided, single submitter. Criteria: Ambry Variant Classification Scheme 2023. Collection method: clinical testing. Allele origin: germline.
Comment: The p.Y429C variant (also known as c.1286A>G), located in coding exon 11 of the MYH11 gene, results from an A to G substitution at nucleotide position 1286. The tyrosine at codon 429 is replaced by cysteine, an amino acid with highly dissimilar properties. This amino acid position is conserved. In addition, this alteration is predicted to be deleterious by in silico analysis. Based on the available evidence, the clinical significance of this variant remains unclear.

Baylor Genetics
Classification: Uncertain significance for Aortic aneurysm, familial thoracic 4. Last evaluated: 2020-07-24. Review status: criteria provided, single submitter. Criteria: ACMG Guidelines, 2015. Collection method: clinical testing. Allele origin: unknown. Affected: yes.
Comment: This variant was determined to be of uncertain significance according to ACMG Guidelines, 2015 [PMID:25741868].

NM_002474.3(MYH11):c.1286A>G (p.Tyr429Cys)

Gene: MYH11 (myosin heavy chain 11; minus strand). Cytogenetic location: 16p13.11.
Variant type: single nucleotide variant.
Coding change: c.1286A>G on transcript NM_002474.3 (MANE Select); coding-DNA position 1286, A replaced by G.
Protein change: p.Tyr429Cys; replaces tyrosine 429 with cysteine.
Molecular consequence: missense variant.
Genome position (GRCh38, 1-based): chr16:15,759,691, T>C on the plus strand (A>G on the coding strand, the complement: MYH11 is on the minus strand). VCF-style: chr16-15759691-T-C. GRCh37 (hg19) VCF-style: chr16-15853548-T-C.
Other names: c.1307A>G, p.Tyr436Cys (NM_001040113.2, NM_001040114.2); c.1286A>G, p.Tyr429Cys (NM_022844.3); short protein forms Y436C, Y429C.
Identifiers: ClinVar variation 1028021 (VCV001028021.2), dbSNP rs2041822203, ClinGen allele CA394872607.